The following is an entry in ClinVar:

NM_000057.4(BLM):c.2206T>C (p.Tyr736His)

Gene: BLM (BLM RecQ like helicase; plus strand). Cytogenetic location: 15q26.1.
Variant type: single nucleotide variant.
Coding change: c.2206T>C on transcript NM_000057.4 (MANE Select); coding-DNA position 2206, T replaced by C.
Protein change: p.Tyr736His; replaces tyrosine 736 with histidine.
Molecular consequence: missense variant.
Genome position (GRCh38, 1-based): chr15:90,766,922, T>C. VCF-style: chr15-90766922-T-C. GRCh37 (hg19) VCF-style: chr15-91310152-T-C.
Other names: c.2206T>C (NM_000057.2); c.2206T>C, p.Tyr736His (NM_001287246.2, NM_001287247.2); c.1081T>C, p.Tyr361His (NM_001287248.2); short protein forms Y361H, Y736H.
Identifiers: ClinVar variation 1057634 (VCV001057634.10), dbSNP rs2151163786, ClinGen allele CA393844791.

ClinVar aggregate classification (germline): Uncertain significance. Review status: criteria provided, multiple submitters, no conflicts (2 of 4 stars). 2 submissions from 2 submitters: Uncertain significance (2). Last evaluated 2024-12-13.

Conditions:
Bloom syndrome (BLM). Also called: Bloom-Torre-Machacek syndrome. Identifiers: Orphanet 125, MedGen C0005859, MONDO:0008876, OMIM 210900.
Hereditary cancer-predisposing syndrome. Also called: Hereditary Cancer Syndrome; Tumor predisposition; Hereditary neoplastic syndrome; Neoplastic Syndromes, Hereditary. Identifiers: Orphanet 140162, MedGen C0027672, MeSH D009386, MONDO:0015356.

gnomAD v4.1: 1 of 1,590,278 alleles (0.000063%); highest among the groups gnomAD compares: Non-Finnish European, 0.000086%; no homozygotes.

Submissions (2):

Ambry Genetics
Classification: Uncertain significance for Hereditary cancer-predisposing syndrome. Last evaluated: 2024-12-13. Review status: criteria provided, single submitter. Criteria: Ambry Variant Classification Scheme 2023. Collection method: clinical testing. Allele origin: germline.
Comment: The p.Y736H variant (also known as c.2206T>C), located in coding exon 9 of the BLM gene, results from a T to C substitution at nucleotide position 2206. The tyrosine at codon 736 is replaced by histidine, an amino acid with similar properties. This amino acid position is conserved. In addition, this alteration is predicted to be tolerated by in silico analysis. Based on the available evidence, the clinical significance of this variant remains unclear.

Labcorp Genetics (formerly Invitae), Labcorp
Classification: Uncertain significance for Bloom syndrome. Last evaluated: 2020-05-28. Review status: criteria provided, single submitter. Criteria: Invitae Variant Classification Sherloc (09022015). Collection method: clinical testing. Allele origin: germline.
Comment: This variant has not been reported in the literature in individuals with BLM-related conditions. This variant is not present in population databases (ExAC no frequency). This sequence change replaces tyrosine with histidine at codon 736 of the BLM protein (p.Tyr736His). The tyrosine residue is moderately conserved and there is a moderate physicochemical difference between tyrosine and histidine. In summary, the available evidence is currently insufficient to determine the role of this variant in disease. Therefore, it has been classified as a Variant of Uncertain Significance. Algorithms developed to predict the effect of missense changes on protein structure and function (SIFT, PolyPhen-2, Align-GVGD) all suggest that this variant is likely to be tolerated, but these predictions have not been confirmed by published functional studies and their clinical significance is uncertain.